The following is an entry in ClinVar:

ClinVar aggregate classification (germline): Uncertain significance. Review status: criteria provided, multiple submitters, no conflicts (2 of 4 stars). 2 submissions from 2 submitters: Uncertain significance (2). Last evaluated 2022-06-09.

Conditions:
Inborn genetic diseases. Identifiers: MedGen C0950123, MeSH D030342.

Allele frequency attached by ClinVar (database versions not stated): TOPMed 0.00001.
gnomAD v4.1: 40 of 1,614,084 alleles (0.0025%); highest among the groups gnomAD compares: Non-Finnish European, 0.0034%; no homozygotes.

Submissions (2):

Labcorp Genetics (formerly Invitae), Labcorp
Classification: Uncertain significance. Last evaluated: 2022-06-09. Review status: criteria provided, single submitter. Criteria: Invitae Variant Classification Sherloc (09022015). Collection method: clinical testing. Allele origin: germline.
Comment: In summary, the available evidence is currently insufficient to determine the role of this variant in disease. Therefore, it has been classified as a Variant of Uncertain Significance. Algorithms developed to predict the effect of missense changes on protein structure and function (SIFT, PolyPhen-2, Align-GVGD) all suggest that this variant is likely to be tolerated. This variant has not been reported in the literature in individuals affected with MCM3AP-related conditions. This variant is present in population databases (no rsID available, gnomAD 0.0009%). This sequence change replaces serine, which is neutral and polar, with tryptophan, which is neutral and slightly polar, at codon 312 of the MCM3AP protein (p.Ser312Trp).

Ambry Genetics
Classification: Uncertain significance for Inborn genetic diseases. Last evaluated: 2022-05-11. Review status: criteria provided, single submitter. Criteria: Ambry Variant Classification Scheme 2023. Collection method: clinical testing. Allele origin: germline.

NM_003906.5(MCM3AP):c.935C>G (p.Ser312Trp)

Gene: MCM3AP (minichromosome maintenance complex component 3 associated protein; minus strand). Cytogenetic location: 21q22.3.
Variant type: single nucleotide variant.
Coding change: c.935C>G on transcript NM_003906.5 (MANE Select); coding-DNA position 935, C replaced by G.
Protein change: p.Ser312Trp; replaces serine 312 with tryptophan.
Molecular consequence: missense variant.
Genome position (GRCh38, 1-based): chr21:46,284,352, G>C on the plus strand (C>G on the coding strand, the complement: MCM3AP is on the minus strand). VCF-style: chr21-46284352-G-C. GRCh37 (hg19) VCF-style: chr21-47704266-G-C.
Other names: short protein forms S312W.
Identifiers: ClinVar variation 1953176 (VCV001953176.6), dbSNP rs767466432, ClinGen allele CA321980186.